The following is an entry in ClinVar:

NM_000098.3(CPT2):c.1225A>G (p.Thr409Ala)

Gene: CPT2 (carnitine palmitoyltransferase 2; plus strand). Cytogenetic location: 1p32.3.
Variant type: single nucleotide variant.
Coding change: c.1225A>G on transcript NM_000098.3 (MANE Select); coding-DNA position 1225, A replaced by G.
Protein change: p.Thr409Ala; replaces threonine 409 with alanine.
Molecular consequence: missense variant.
Genome position (GRCh38, 1-based): chr1:53,210,899, A>G. VCF-style: chr1-53210899-A-G. GRCh37 (hg19) VCF-style: chr1-53676571-A-G.
Other names: c.1225A>G, p.Thr409Ala (NM_001330589.2); short protein forms T409A.
Identifiers: ClinVar variation 1044833 (VCV001044833.9), dbSNP rs772572668, ClinGen allele CA859148.

ClinVar aggregate classification (germline): Uncertain significance. Review status: criteria provided, single submitter (1 of 4 stars). 2 submissions from 2 submitters: Uncertain significance (1). 1 of the submissions does not count toward it. Last evaluated 2023-11-27.

Conditions:
Carnitine palmitoyltransferase II deficiency. Also called: Carnitine Palmitoyltransferase 2 Deficiency. Identifiers: Orphanet 157, MedGen C0342790, MONDO:0015515.

Allele frequency attached by ClinVar (database versions not stated): gnomAD exomes below 0.00001; TOPMed below 0.00001; ExAC 0.00001; gnomAD 0.00001.

Submissions (2):

Labcorp Genetics (formerly Invitae), Labcorp
Classification: Uncertain significance for Carnitine palmitoyltransferase II deficiency. Last evaluated: 2023-11-27. Review status: criteria provided, single submitter. Criteria: Invitae Variant Classification Sherloc (09022015). Collection method: clinical testing. Allele origin: germline.
Comment: This sequence change replaces threonine, which is neutral and polar, with alanine, which is neutral and non-polar, at codon 409 of the CPT2 protein (p.Thr409Ala). This variant is present in population databases (rs772572668, gnomAD 0.0009%). This variant has not been reported in the literature in individuals affected with CPT2-related conditions. ClinVar contains an entry for this variant (Variation ID: 1044833). Advanced modeling of protein sequence and biophysical properties (such as structural, functional, and spatial information, amino acid conservation, physicochemical variation, residue mobility, and thermodynamic stability) performed at Invitae indicates that this missense variant is not expected to disrupt CPT2 protein function with a negative predictive value of 80%. In summary, the available evidence is currently insufficient to determine the role of this variant in disease. Therefore, it has been classified as a Variant of Uncertain Significance.

Natera, Inc.
Classification: Uncertain significance for Carnitine palmitoyltransferase II deficiency. Last evaluated: 2020-09-01. Review status: no assertion criteria provided. Collection method: clinical testing. Allele origin: germline. Not counted in ClinVar's aggregate classification.